The following is an entry in ClinVar:

ClinVar aggregate classification (germline): Benign/Likely benign. Review status: criteria provided, multiple submitters, no conflicts (2 of 4 stars). 8 submissions from 8 submitters: Benign (2); Likely benign (6). Last evaluated 2026-01-27.

Conditions:
Cardiovascular phenotype. Identifiers: MedGen CN230736.
Hypertrophic cardiomyopathy 1 (CMH1). Also called: Familial hypertrophic cardiomyopathy 1; MYH7-Related Familial Hypertrophic Cardiomyopathy. Identifiers: MedGen C3495498, MONDO:0008647, OMIM 192600.
Hypertrophic cardiomyopathy 14. Identifiers: MedGen C2750467, MONDO:0013197, OMIM 613251.
Dilated cardiomyopathy 1EE (CMD1EE). Identifiers: Orphanet 154, MedGen C2750466, MONDO:0013198, OMIM 613252.
Sick sinus syndrome 3, susceptibility to (SSS3). Identifiers: Orphanet 166282, MedGen C3279791, MONDO:0013568, OMIM 614090.
Atrial septal defect 3 (ASD3). Identifiers: Orphanet 1478, MedGen C3279790, MONDO:0013567, OMIM 614089.

Allele frequency attached by ClinVar (database versions not stated): TOPMed 0.00158; ESP Exome Variant Server 0.00223; gnomAD exomes 0.00009 and 0.00040; 1000 Genomes Project 30x 0.00031; 1000 Genomes Project 0.00040; ExAC 0.00048; gnomAD 0.00139 and 0.00148.
gnomAD v4.1: 352 of 1,614,168 alleles (0.022%); highest among the groups gnomAD compares: African/African-American, 0.4%; no homozygotes.

Submissions (8):

Labcorp Genetics (formerly Invitae), Labcorp
Classification: Benign for Hypertrophic cardiomyopathy 14. Last evaluated: 2026-01-27. Review status: criteria provided, single submitter. Criteria: Invitae Variant Classification Sherloc (09022015). Collection method: clinical testing. Allele origin: germline.

ARUP Laboratories, Molecular Genetics and Genomics, ARUP Laboratories
Classification: Likely benign. Last evaluated: 2025-04-02. Review status: criteria provided, single submitter. Criteria: ARUP Molecular Germline Variant Investigation Process 2024. Collection method: clinical testing. Allele origin: germline.

Fulgent Genetics
Classification: Likely benign for Hypertrophic cardiomyopathy 1; Hypertrophic cardiomyopathy 14; Dilated cardiomyopathy 1EE; Atrial septal defect 3; Sick sinus syndrome 3, susceptibility to. Last evaluated: 2022-04-22. Review status: criteria provided, single submitter. Criteria: ACMG Guidelines, 2015. Collection method: clinical testing. Allele origin: unknown.

GeneDx
Classification: Likely benign. Last evaluated: 2021-06-07. Review status: criteria provided, single submitter. Criteria: GeneDx Variant Classification Process June 2021. Collection method: clinical testing. Allele origin: germline. Affected: yes.
Comment: This variant is associated with the following publications: (PMID: 27789736, 23861362)

Women's Health and Genetics/Laboratory Corporation of America, LabCorp
Classification: Likely benign. Last evaluated: 2018-11-05. Review status: criteria provided, single submitter. Criteria: LabCorp Variant Classification Summary - May 2015. Collection method: clinical testing. Allele origin: germline.
Comment: Variant summary: MYH6 c.2890G>T (p.Ala964Ser) results in a conservative amino acid change located in the Myosin tail domain of the encoded protein sequence. Three of five in-silico tools predict a damaging effect of the variant on protein function. The variant allele was found at a frequency of 0.00048 in 277246 control chromosomes, predominantly at a frequency of 0.005 within the African subpopulation in the gnomAD database. The observed variant frequency within African control individuals in the gnomAD database is approximately 200 fold of the estimated maximal expected allele frequency for a pathogenic variant in MYH6 causing Cardiomyopathy phenotype (2.5e-05), strongly suggesting that the variant is a benign polymorphism found primarily in populations of African origin. c.2890G>T has been reported in the literature in individuals affected with hypoplastic left heart syndrome (Tomita-Mitchell_2016). These report(s) do not provide unequivocal conclusions about association of the variant with Cardiomyopathy. To our knowledge, no experimental evidence demonstrating an impact on protein function has been reported. Four clinical diagnostic laboratories have submitted clinical-significance assessments for this variant to ClinVar after 2014 without evidence for independent evaluation. All laboratories classified the variant as benign/likely benign. Based on the evidence outlined above, the variant was classified as likely benign.

Ambry Genetics
Classification: Likely benign for Cardiovascular phenotype. Last evaluated: 2018-02-05. Review status: criteria provided, single submitter. Criteria: Ambry General Variant Classification Scheme_2022. Collection method: clinical testing. Allele origin: germline. Observed: 1 variant allele.

Laboratory for Molecular Medicine, Mass General Brigham Personalized Medicine
Classification: Likely benign. Last evaluated: 2015-11-09. Review status: criteria provided, single submitter. Criteria: LMM Criteria. Collection method: clinical testing. Allele origin: germline. Observed: 4 variant alleles.
Comment: p.Ala964Ser in exon 22 of MYH6: This variant is not expected to have clinical si gnificance because it has been identified in 0.5% (51/10406) of African chromoso mes by the Exome Aggregation Consortium (ExAC; d bSNP rs144907522).

Biesecker Lab/Clinical Genomics Section, National Institutes of Health
Classification: Benign. Last evaluated: 2013-06-24. Review status: criteria provided, single submitter. Criteria: Ng et al. (Circ Cardiovasc Genet. 2013). Collection method: research. Allele origin: unknown. Observed: 2 variant alleles. Study: ClinSeq.
Comment: The study set was not selected for affection status in relation to any cancer. Pathogenicity categories were based on literature curation. See Pubmed ID:23861362 for details.

Medical sequencing

Literature cited by the submitters: PubMed 27789736 (cited by Women's Health and Genetics/Laboratory Corporation of America, LabCorp).

NM_002471.4(MYH6):c.2890G>T (p.Ala964Ser)

Gene: MYH6 (myosin heavy chain 6; minus strand). Cytogenetic location: 14q11.2.
Variant type: single nucleotide variant.
Coding change: c.2890G>T on transcript NM_002471.4 (MANE Select); coding-DNA position 2890, G replaced by T.
Protein change: p.Ala964Ser; replaces alanine 964 with serine.
Molecular consequence: missense variant.
Genome position (GRCh38, 1-based): chr14:23,393,704, C>A on the plus strand (G>T on the coding strand, the complement: MYH6 is on the minus strand). VCF-style: chr14-23393704-C-A. GRCh37 (hg19) VCF-style: chr14-23862913-C-A.
Other names: short protein forms A964S.
Identifiers: ClinVar variation 44472 (VCV000044472.32), dbSNP rs144907522, ClinGen allele CA134298.